The following is an entry in ClinVar:

NM_130837.3(OPA1):c.1035+4T>C

Gene: OPA1 (OPA1 mitochondrial dynamin like GTPase; plus strand). Cytogenetic location: 3q29.
Variant type: single nucleotide variant.
Coding change: c.1035+4T>C on transcript NM_130837.3 (MANE Select); 4 bases into the intron after coding-DNA position 1035, T replaced by C.
Molecular consequence: intron variant.
Genome position (GRCh38, 1-based): chr3:193,637,285, T>C. VCF-style: chr3-193637285-T-C. GRCh37 (hg19) VCF-style: chr3-193355074-T-C.
Other names: c.498+4T>C (NM_001354664.2); c.501+4T>C (NM_001354663.2); c.924+4T>C (NM_130834.3); c.981+4T>C (NM_130836.3); c.870+4T>C (NM_015560.3); c.927+4T>C (NM_130835.3); c.816+4T>C (NM_130832.3); c.873+4T>C (NM_130833.3); and 1 more.
Identifiers: ClinVar variation 95731 (VCV000095731.36), dbSNP rs166850, ClinGen allele CA285744.

ClinVar aggregate classification (germline): Benign. Review status: criteria provided, multiple submitters, no conflicts (2 of 4 stars). 16 submissions from 13 submitters: Benign (13). 3 of the submissions do not count toward it. Last evaluated 2026-02-04.

Conditions:
Abortive cerebellar ataxia (BEHRS). Also called: OPTIC ATROPHY, INFANTILE HEREDITARY, WITH NEUROLOGIC ABNORMALITIES; Behr syndrome. Identifiers: Orphanet 1239, MedGen C0221061, MONDO:0008858, OMIM 210000.
Mitochondrial DNA depletion syndrome 14B (cardioencephalomyopathic type). Also called: Mitochondrial DNA depletion syndrome 14 (encephalocardiomyopathic type); Mitochondrial DNA depletion syndrome 14 (cardioencephalomyopathic type). Identifiers: MedGen C6065890, MONDO:0014820, OMIM 616896.
Optic atrophy with or without deafness, ophthalmoplegia, myopathy, ataxia, and neuropathy. Also called: OPTIC ATROPHY PLUS SYNDROME. Identifiers: MedGen C3276549, MONDO:0007429, OMIM 125250.
Autosomal dominant optic atrophy classic form (OPA1). Also called: KJER-TYPE OPTIC ATROPHY; OPTIC ATROPHY, JUVENILE; Optic Atrophy Type 1. Identifiers: Orphanet 98673, MedGen C0338508, MONDO:0008134, OMIM 165500.

Allele frequency attached by ClinVar (database versions not stated): gnomAD exomes 0.84299 and 0.87010; ESP Exome Variant Server 0.87137; ExAC 0.87176; gnomAD 0.88294 and 0.88312; TOPMed 0.88858; 1000 Genomes Project 30x 0.92192; 1000 Genomes Project 0.92292.
gnomAD v4.1: 1,348,792 of 1,591,702 alleles (85%); highest among the groups gnomAD compares: East Asian, 97%; 573,156 homozygotes.

Submissions (16):

Labcorp Genetics (formerly Invitae), Labcorp
Classification: Benign. Last evaluated: 2026-02-04. Review status: criteria provided, single submitter. Criteria: Invitae Variant Classification Sherloc (09022015). Collection method: clinical testing. Allele origin: germline.

Blueprint Genetics
Classification: Benign. Last evaluated: 2024-11-27. Review status: criteria provided, single submitter. Criteria: ACMG Guidelines, 2015. Collection method: clinical testing. Allele origin: germline.

ARUP Laboratories, Molecular Genetics and Genomics, ARUP Laboratories
Classification: Benign. Last evaluated: 2023-11-29. Review status: criteria provided, single submitter. Criteria: ARUP Molecular Germline Variant Investigation Process 2024. Collection method: clinical testing. Allele origin: germline.

Genome-Nilou Lab
Classification: Benign for Mitochondrial DNA depletion syndrome 14B (cardioencephalomyopathic type). Last evaluated: 2021-09-05. Review status: criteria provided, single submitter. Criteria: ACMG Guidelines, 2015. Collection method: clinical testing. Allele origin: germline. Affected: no.

Genome-Nilou Lab
Classification: Benign for Abortive cerebellar ataxia. Last evaluated: 2021-09-05. Review status: criteria provided, single submitter. Criteria: ACMG Guidelines, 2015. Collection method: clinical testing. Allele origin: germline. Affected: no.

Genome-Nilou Lab
Classification: Benign for Autosomal dominant optic atrophy classic form. Last evaluated: 2021-09-05. Review status: criteria provided, single submitter. Criteria: ACMG Guidelines, 2015. Collection method: clinical testing. Allele origin: germline. Affected: no.

Genome-Nilou Lab
Classification: Benign for Optic atrophy with or without deafness, ophthalmoplegia, myopathy, ataxia, and neuropathy. Last evaluated: 2021-09-05. Review status: criteria provided, single submitter. Criteria: ACMG Guidelines, 2015. Collection method: clinical testing. Allele origin: germline. Affected: no.

Illumina Laboratory Services, Illumina
Classification: Benign for Autosomal dominant optic atrophy classic form. Last evaluated: 2018-01-12. Review status: criteria provided, single submitter. Criteria: ICSL Variant Classification Criteria 13 December 2019. Collection method: clinical testing. Allele origin: germline.
Comment: This variant was observed in the ICSL laboratory as part of a predisposition screen in an ostensibly healthy population. It had not been previously curated by ICSL or reported in the Human Gene Mutation Database (HGMD: prior to June 1st, 2018), and was therefore a candidate for classification through an automated scoring system. Utilizing variant allele frequency, disease prevalence and penetrance estimates, and inheritance mode, an automated score was calculated to assess if this variant is too frequent to cause the disease. Based on the score and internal cut-off values, a variant classified as benign is not then subjected to further curation. The score for this variant resulted in a classification of benign for this disease.

Athena Diagnostics
Classification: Benign for Autosomal dominant optic atrophy classic form. Last evaluated: 2017-04-27. Review status: criteria provided, single submitter. Criteria: Athena Diagnostics Criteria. Collection method: clinical testing. Allele origin: germline.

Eurofins Ntd Llc (ga)
Classification: Benign. Last evaluated: 2014-01-23. Review status: criteria provided, single submitter. Criteria: EGL Classification Definitions 2015. Collection method: clinical testing. Allele origin: germline. Observed: 6 variant alleles, 3 heterozygotes, 3 homozygotes.

GeneDx
Classification: Benign. Last evaluated: 2012-10-22. Review status: criteria provided, single submitter. Criteria: GeneDx Variant Classification (06012015). Collection method: clinical testing. Allele origin: germline. Affected: yes.
Comment: This variant is considered likely benign or benign based on one or more of the following criteria: it is a conservative change, it occurs at a poorly conserved position in the protein, it is predicted to be benign by multiple in silico algorithms, and/or has population frequency not consistent with disease.

Breakthrough Genomics
Classification: Benign. Review status: criteria provided, single submitter. Criteria: ACMG Guidelines, 2015. Collection method: not provided. Allele origin: germline. Inheritance: Autosomal recessive inheritance. Affected: yes.

PreventionGenetics, part of Exact Sciences
Classification: Benign. Review status: criteria provided, single submitter. Criteria: ACMG Guidelines, 2015. Collection method: clinical testing. Allele origin: germline.

Mayo Clinic Laboratories, Mayo Clinic
Classification: Benign. Last evaluated: 2016-02-19. Review status: no assertion criteria provided. Collection method: clinical testing. Allele origin: unknown. Not counted in ClinVar's aggregate classification.

Diagnostic Laboratory, Department of Genetics, University Medical Center Groningen
Classification: Benign. Review status: no assertion criteria provided. Collection method: clinical testing. Allele origin: germline. Affected: yes. Study: VKGL Data-share Consensus. Not counted in ClinVar's aggregate classification.

Joint Genome Diagnostic Labs from Nijmegen and Maastricht, Radboudumc and MUMC+
Classification: Benign. Review status: no assertion criteria provided. Collection method: clinical testing. Allele origin: germline. Affected: yes. Study: VKGL Data-share Consensus. Not counted in ClinVar's aggregate classification.